The following is an entry in ClinVar:

ClinVar aggregate classification (germline): Uncertain significance (1 of 4 stars; one submission).

Submission:

Labcorp Genetics (formerly Invitae), Labcorp
Classification: Uncertain significance. Last evaluated: 2023-05-29. Review status: criteria provided, single submitter. Criteria: Invitae Variant Classification Sherloc (09022015). Collection method: clinical testing. Allele origin: germline.
Comment: This variant is not present in population databases (gnomAD no frequency). This variant has not been reported in the literature in individuals affected with FH-related conditions. An algorithm developed to predict the effect of missense changes on protein structure and function (PolyPhen-2) suggests that this variant is likely to be disruptive. In summary, the available evidence is currently insufficient to determine the role of this variant in disease. Therefore, it has been classified as a Variant of Uncertain Significance. This sequence change replaces isoleucine, which is neutral and non-polar, with methionine, which is neutral and non-polar, at codon 413 of the FH protein (p.Ile413Met).

NM_000143.4(FH):c.1239T>G (p.Ile413Met)

Gene: FH (fumarate hydratase; minus strand). Cytogenetic location: 1q43.
Variant type: single nucleotide variant.
Coding change: c.1239T>G on transcript NM_000143.4 (MANE Select); coding-DNA position 1239, T replaced by G.
Protein change: p.Ile413Met; replaces isoleucine 413 with methionine.
Molecular consequence: missense variant.
Genome position (GRCh38, 1-based): chr1:241,500,588, A>C on the plus strand (T>G on the coding strand, the complement: FH is on the minus strand). VCF-style: chr1-241500588-A-C. GRCh37 (hg19) VCF-style: chr1-241663888-A-C.
Other names: short protein forms I413M.
Identifiers: ClinVar variation 2778625 (VCV002778625.3), dbSNP rs2147913393, ClinGen allele CA345436955.